The following is an entry in ClinVar:

NM_025179.4(PLXNA2):c.2143G>A (p.Gly715Arg)

Gene: PLXNA2 (plexin A2; minus strand). Cytogenetic location: 1q32.2.
Variant type: single nucleotide variant.
Coding change: c.2143G>A on transcript NM_025179.4 (MANE Select); coding-DNA position 2143, G replaced by A.
Protein change: p.Gly715Arg; replaces glycine 715 with arginine.
Molecular consequence: missense variant.
Genome position (GRCh38, 1-based): chr1:208,084,535, C>T on the plus strand (G>A on the coding strand, the complement: PLXNA2 is on the minus strand). VCF-style: chr1-208084535-C-T. GRCh37 (hg19) VCF-style: chr1-208257880-C-T.
Other names: short protein forms G715R.
Identifiers: ClinVar variation 2629041 (VCV002629041.3), dbSNP rs762107117, ClinGen allele CA1373617.

ClinVar aggregate classification (germline): Uncertain significance (1 of 4 stars; one submission).

Conditions:
PLXNA2-related disorder. Also called: PLXNA2-related condition.

Allele frequency attached by ClinVar (database versions not stated): ExAC 0.00002; gnomAD 0.00002; gnomAD exomes 0.00006; TOPMed 0.00006.

Submission:

PreventionGenetics, part of Exact Sciences
Classification: Uncertain significance for PLXNA2-related condition. Last evaluated: 2026-05-22. Review status: criteria provided, single submitter. Criteria: ACMG Guidelines, 2015. Collection method: clinical testing. Allele origin: germline.
Comment: The PLXNA2 c.2143G>A variant is predicted to result in the amino acid substitution p.Gly715Arg. To our knowledge, this variant has not been reported in the literature. This variant is reported in 0.0044% of alleles in individuals of European (Non-Finnish) descent in gnomAD. At this time, the clinical significance of this variant is uncertain due to the absence of conclusive functional and genetic evidence.